The following is an entry in ClinVar:

NM_000492.3:c.(?_-1)_(*1_?)del

Gene: CFTR (CF transmembrane conductance regulator; plus strand).
Variant type: Deletion.
Identifiers: ClinVar variation 2690914 (VCV002690914.1).

ClinVar aggregate classification (germline): Pathogenic (1 of 4 stars; one submission).

Conditions:
Cystic fibrosis (CF). Also called: MUCOVISCIDOSIS. Identifiers: Orphanet 586, MedGen C0010674, MONDO:0009061, OMIM 219700. Disease mechanism: loss of function.

Submission:

Johns Hopkins Genomics, Johns Hopkins University
Classification: Pathogenic for Cystic fibrosis. Last evaluated: 2023-09-13. Review status: criteria provided, single submitter. Criteria: ACMG Guidelines, 2015. Collection method: clinical testing. Allele origin: germline.
Comment: Evidence of a homozygous deletion of the entire coding region of CFTR was identified. A similar deletion has been reported in individuals with cystic fibrosis. This variant is is absent from two large population datasets. We consider this deletion to be pathogenic.

Literature cited by the submitters: PubMed 31406621.